The following is an entry in ClinVar:

ClinVar aggregate classification (germline): Uncertain significance (1 of 4 stars; one submission).

Submission:

Labcorp Genetics (formerly Invitae), Labcorp
Classification: Uncertain significance. Last evaluated: 2021-11-09. Review status: criteria provided, single submitter. Criteria: Invitae Variant Classification Sherloc (09022015). Collection method: clinical testing. Allele origin: germline.
Comment: This sequence change replaces leucine, which is neutral and non-polar, with arginine, which is basic and polar, at codon 1128 of the POLE protein (p.Leu1128Arg). This variant is not present in population databases (gnomAD no frequency). This variant has not been reported in the literature in individuals affected with POLE-related conditions. Algorithms developed to predict the effect of missense changes on protein structure and function (SIFT, PolyPhen-2, Align-GVGD) all suggest that this variant is likely to be disruptive. In summary, the available evidence is currently insufficient to determine the role of this variant in disease. Therefore, it has been classified as a Variant of Uncertain Significance.

NM_006231.4(POLE):c.3383T>G (p.Leu1128Arg)

Gene: POLE (DNA polymerase epsilon, catalytic subunit; minus strand). Cytogenetic location: 12q24.33.
Variant type: single nucleotide variant.
Coding change: c.3383T>G on transcript NM_006231.4 (MANE Select); coding-DNA position 3383, T replaced by G.
Protein change: p.Leu1128Arg; replaces leucine 1128 with arginine.
Molecular consequence: missense variant.
Genome position (GRCh38, 1-based): chr12:132,657,425, A>C on the plus strand (T>G on the coding strand, the complement: POLE is on the minus strand). VCF-style: chr12-132657425-A-C. GRCh37 (hg19) VCF-style: chr12-133234011-A-C.
Other names: short protein forms L1128R.
Identifiers: ClinVar variation 1477031 (VCV001477031.6), dbSNP rs2138660093, ClinGen allele CA387389550.
Genomic context (GRCh38, chr12:132,657,425, plus strand): 5'-GGGATGGTGATGATCTTCTGGATGGCGCTTCCCAGCCGCTCAATGTAGTAGTCCCAATCC[A>C]GAATCTGCATGTGCAGGAAACGGGCACAGAGAACAGCAGGTGGCAGCAGCCAAGAGTGGG-3'
Protein context (NP_006222.2, residues 1118-1138): SLQDFDIRAI[Leu1128Arg]DWDYYIERLG